The following is an entry in ClinVar:

NM_000535.7(PMS2):c.380dup (p.Ser128fs)

Gene: PMS2 (PMS1 homolog 2, mismatch repair system component; minus strand). Cytogenetic location: 7p22.1.
Variant type: Duplication.
Coding change: c.380dup on transcript NM_000535.7 (MANE Select); coding-DNA position 380, one base duplicated (C; older notation c.380dupC).
Protein change: p.Ser128fs; shifts the reading frame from serine 128.
Molecular consequence: frameshift variant. On other transcripts: 5 prime UTR variant (29), non-coding transcript variant (1), intron variant (1).
Genome position (GRCh38, 1-based): chr7:6,002,610, G duplicated on the plus strand (C on the coding strand, the reverse complement: PMS2 is on the minus strand). VCF-style (leftmost placement, unchanged base first): chr7-6002609-T-TG. GRCh37 (hg19) VCF-style: chr7-6042240-T-TG.
Other names: c.-26dup (NM_001018040.1, NM_001322003.2, NM_001322004.2 and 25 more transcripts); c.380dup, p.Ser128fs (NM_001322006.2, NM_001322014.2, NM_001406869.1 and 8 more transcripts); c.62dup, p.Ser22fs (NM_001322007.2, NM_001322008.2, NM_001406876.1 and 4 more transcripts); c.-505dup (NM_001322011.2, NM_001322012.2); c.71dup, p.Ser25fs (NM_001322015.2, NM_001406875.1, NM_001406877.1 and 6 more transcripts); c.566dup, p.Ser190fs (NM_001406866.1); c.404dup, p.Ser136fs (NM_001406868.1); c.250+1362dup (NM_001406885.1); short protein forms S190fs, S22fs, S25fs, S136fs, S128fs.
Identifiers: ClinVar variation 2809637 (VCV002809637.3), dbSNP rs2536453645, ClinGen allele CA2739265441.

ClinVar aggregate classification (germline): Pathogenic (1 of 4 stars; one submission).

Conditions:
Hereditary nonpolyposis colorectal neoplasms. Identifiers: MedGen C0009405, MeSH D003123.

Submission:

Labcorp Genetics (formerly Invitae), Labcorp
Classification: Pathogenic for Hereditary nonpolyposis colorectal neoplasms. Last evaluated: 2022-10-25. Review status: criteria provided, single submitter. Criteria: Invitae Variant Classification Sherloc (09022015). Collection method: clinical testing. Allele origin: germline.
Comment: This variant has not been reported in the literature in individuals affected with PMS2-related conditions. This variant is not present in population databases (gnomAD no frequency). For these reasons, this variant has been classified as Pathogenic. This sequence change creates a premature translational stop signal (p.Ser128Ilefs*11) in the PMS2 gene. It is expected to result in an absent or disrupted protein product. Loss-of-function variants in PMS2 are known to be pathogenic (PMID: 21376568, 24362816).

Literature cited by the submitters: PubMed 21376568; PubMed 24362816.